The following is an entry in ClinVar:

NM_199420.4(POLQ):c.2941C>A (p.Gln981Lys)

Gene: POLQ (DNA polymerase theta; minus strand). Cytogenetic location: 3q13.33.
Variant type: single nucleotide variant.
Coding change: c.2941C>A on transcript NM_199420.4 (MANE Select); coding-DNA position 2941, C replaced by A.
Protein change: p.Gln981Lys; replaces glutamine 981 with lysine.
Molecular consequence: missense variant.
Genome position (GRCh38, 1-based): chr3:121,489,990, G>T on the plus strand (C>A on the coding strand, the complement: POLQ is on the minus strand). VCF-style: chr3-121489990-G-T. GRCh37 (hg19) VCF-style: chr3-121208837-G-T.
Other names: short protein forms Q981K.
Identifiers: ClinVar variation 3422610 (VCV003422610.1).

ClinVar aggregate classification (germline): Uncertain significance (1 of 4 stars; one submission).

gnomAD v4.1: 1 of 1,581,144 alleles (0.000063%); highest among the groups gnomAD compares: Non-Finnish European, 0.000085%; no homozygotes.

Submission:

Ambry Genetics
Classification: Uncertain significance. Last evaluated: 2024-10-21. Review status: criteria provided, single submitter. Criteria: Ambry Variant Classification Scheme 2023. Collection method: clinical testing. Allele origin: germline.
Comment: The p.Q981K variant (also known as c.2941C>A), located in coding exon 16 of the POLQ gene, results from a C to A substitution at nucleotide position 2941. The glutamine at codon 981 is replaced by lysine, an amino acid with similar properties. This amino acid position is conserved. In addition, this alteration is predicted to be tolerated by in silico analysis. Based on the available evidence, the clinical significance of this variant remains unclear.